The following continues an entry in ClinVar:

NM_000257.4(MYH7):c.3382G>A (p.Ala1128Thr)

Gene: MYH7. ClinVar aggregate classification (germline): Likely benign. Likely benign (1).

Submissions 10 to 14 of 14:

Ambry Genetics
Classification: Likely benign for Cardiovascular phenotype. Last evaluated: 2023-04-24. Review status: criteria provided, single submitter. Criteria: Ambry Variant Classification Scheme 2023. Collection method: clinical testing. Allele origin: germline. Not counted in ClinVar's aggregate classification.

CHEO Genetics Diagnostic Laboratory, Children's Hospital of Eastern Ontario
Classification: Likely benign for Cardiomyopathy. Last evaluated: 2022-06-13. Review status: criteria provided, single submitter. Criteria: ACMG Guidelines, 2015. Collection method: clinical testing. Allele origin: germline. Not counted in ClinVar's aggregate classification.

Center for Human Genetics, University of Leuven
Classification: Uncertain significance for Hypertrophic cardiomyopathy. Last evaluated: 2018-10-31. Review status: criteria provided, single submitter. Criteria: ACMG Guidelines, 2015. Collection method: clinical testing. Allele origin: germline. Affected: yes. Not counted in ClinVar's aggregate classification.

Laboratory for Molecular Medicine, Mass General Brigham Personalized Medicine
Classification: Likely benign. Last evaluated: 2017-08-06. Review status: criteria provided, single submitter. Criteria: LMM Criteria. Collection method: clinical testing. Allele origin: germline. Observed: 4 variant alleles. Not counted in ClinVar's aggregate classification.
Comment: The p.Ala1128Thr variant in MYH7 has been reported in 1 individual with DCM (Rod riguez-Garcia 2011 - abstract only). This vari ant has been identified in 26/236012 chromosomes in the gnomAD database (dbSNP rs199552354). Computational prediction tools an d conservation analyses do not provide strong support for or against an impact t o the protein. In summary, given the inconsistent phenotypic observations (both DCM and HCM), 26 occurrences in the general population, and lack of disease in a carrier parent of an affected child, the clinical significance of the p.Ala1128 Thr variant is likely benign.

Biesecker Lab/Clinical Genomics Section, National Institutes of Health
Classification: Likely benign. Last evaluated: 2013-06-24. Review status: criteria provided, single submitter. Criteria: Ng et al. (Circ Cardiovasc Genet. 2013). Collection method: research. Allele origin: unknown. Observed: 4 variant alleles. Study: ClinSeq. Not counted in ClinVar's aggregate classification.
Comment: The study set was not selected for affection status in relation to any cancer. Pathogenicity categories were based on literature curation. See Pubmed ID:23861362 for details.

Medical sequencing

Literature cited by the submitters: PubMed 29300372 (cited by 3 submitters); PubMed 27247418 (cited by 3 submitters); PubMed 31513939 (cited by 3 submitters); PubMed 23861362 (cited by 4 submitters); PubMed 24510615 (cited by 4 submitters); PubMed 27930701 (cited by Women's Health and Genetics/Laboratory Corporation of America, LabCorp and Ambry Genetics); PubMed 30297972 (cited by Women's Health and Genetics/Laboratory Corporation of America, LabCorp and Ambry Genetics); PubMed 31941943 (cited by Women's Health and Genetics/Laboratory Corporation of America, LabCorp).